The following is an entry in ClinVar:

ClinVar aggregate classification (germline): Benign (1 of 4 stars; one submission).

Allele frequency attached by ClinVar (database versions not stated): gnomAD 0.17662 and 0.18439; TOPMed 0.18323; 1000 Genomes Project 30x 0.22455; 1000 Genomes Project 0.22823.
gnomAD v4.1: 27,898 of 151,466 alleles (18%); highest among the groups gnomAD compares: East Asian, 41%; 3,419 homozygotes.

Submission:

GeneDx
Classification: Benign. Last evaluated: 2021-02-26. Review status: criteria provided, single submitter. Criteria: GeneDx Variant Classification Process June 2021. Collection method: clinical testing. Allele origin: germline. Affected: yes.
Comment: This variant is associated with the following publications: (PMID: 30614547)

NM_001256355.1(UBE2L3):c.201+16878G>C

Gene: UBE2L3 (ubiquitin conjugating enzyme E2 L3; plus strand). Cytogenetic location: 22q11.21.
Variant type: single nucleotide variant.
Coding change: c.201+16878G>C on transcript NM_001256355.1; 16878 bases into the intron after coding-DNA position 201, G replaced by C.
Molecular consequence: intron variant.
Genome position (GRCh38, 1-based): chr22:21,566,528, G>C. VCF-style: chr22-21566528-G-C. GRCh37 (hg19) VCF-style: chr22-21920817-G-C.
Identifiers: ClinVar variation 1291200 (VCV001291200.4), dbSNP rs59391722, ClinGen allele CA14920814.